The following is an entry in ClinVar:

NM_018941.4(CLN8):c.160C>T (p.Arg54Cys)

Gene: CLN8 (CLN8 transmembrane ER and ERGIC protein; plus strand). Cytogenetic location: 8p23.3.
Variant type: single nucleotide variant.
Coding change: c.160C>T on transcript NM_018941.4 (MANE Select); coding-DNA position 160, C replaced by T.
Protein change: p.Arg54Cys; replaces arginine 54 with cysteine.
Molecular consequence: missense variant.
Genome position (GRCh38, 1-based): chr8:1,771,214, C>T. VCF-style: chr8-1771214-C-T. GRCh37 (hg19) VCF-style: chr8-1719380-C-T.
Other names: c.160C>T (NM_018941.3); short protein forms R54C.
Identifiers: ClinVar variation 991258 (VCV000991258.4), dbSNP rs769069643, ClinGen allele CA4599219.

ClinVar aggregate classification (germline): Uncertain significance. Review status: criteria provided, multiple submitters, no conflicts (2 of 4 stars). 3 submissions from 3 submitters: Uncertain significance (2). 1 of the submissions does not count toward it. Last evaluated 2024-07-22.

Conditions:
Inborn genetic diseases. Identifiers: MedGen C0950123, MeSH D030342.
Neuronal ceroid lipofuscinosis. Also called: Neuronal Ceroid Lipofuscinoses. Identifiers: Orphanet 216, Orphanet 79263, MedGen C0027877, MONDO:0016295. Disease mechanism: loss of function.
Neuronal ceroid lipofuscinosis 8 (CLN8). Also called: CLN8-Related Neuronal Ceroid-Lipofuscinosis. Identifiers: Orphanet 168491, Orphanet 228354, Orphanet 79264, MedGen C1838570, MONDO:0010830, OMIM 600143.

Allele frequency attached by ClinVar (database versions not stated): TOPMed below 0.00001; gnomAD 0.00001; gnomAD exomes 0.00001; ExAC 0.00002.
gnomAD v4.1: 18 of 1,613,930 alleles (0.0011%); highest among the groups gnomAD compares: East Asian, 0.011%; no homozygotes.

Submissions (3):

Ambry Genetics
Classification: Uncertain significance for Inborn genetic diseases. Last evaluated: 2024-07-22. Review status: criteria provided, single submitter. Criteria: Ambry Variant Classification Scheme 2023. Collection method: clinical testing. Allele origin: germline.

Labcorp Genetics (formerly Invitae), Labcorp
Classification: Uncertain significance for Neuronal ceroid lipofuscinosis. Last evaluated: 2020-07-23. Review status: criteria provided, single submitter. Criteria: Invitae Variant Classification Sherloc (09022015). Collection method: clinical testing. Allele origin: germline.
Comment: This sequence change replaces arginine with cysteine at codon 54 of the CLN8 protein (p.Arg54Cys). The arginine residue is highly conserved and there is a large physicochemical difference between arginine and cysteine. This variant is present in population databases (rs769069643, ExAC 0.02%). This variant has not been reported in the literature in individuals with CLN8-related disease. Algorithms developed to predict the effect of missense changes on protein structure and function do not agree on the potential impact of this missense change (SIFT: "Deleterious"; PolyPhen-2: "Benign"; Align-GVGD: "Class C0"). In summary, the available evidence is currently insufficient to determine the role of this variant in disease. Therefore, it has been classified as a Variant of Uncertain Significance.

Natera, Inc.
Classification: Uncertain significance for Neuronal ceroid lipofuscinosis 8. Last evaluated: 2020-08-21. Review status: no assertion criteria provided. Collection method: clinical testing. Allele origin: germline. Not counted in ClinVar's aggregate classification.